The following is an entry in ClinVar:

ClinVar aggregate classification (germline): Uncertain significance (1 of 4 stars; one submission).

Allele frequency attached by ClinVar (database versions not stated): TOPMed below 0.00001; gnomAD exomes 0.00001.

Submission:

Labcorp Genetics (formerly Invitae), Labcorp
Classification: Uncertain significance. Last evaluated: 2022-05-03. Review status: criteria provided, single submitter. Criteria: Invitae Variant Classification Sherloc (09022015). Collection method: clinical testing. Allele origin: germline.
Comment: In summary, the available evidence is currently insufficient to determine the role of this variant in disease. Therefore, it has been classified as a Variant of Uncertain Significance. Variants that disrupt the consensus splice site are a relatively common cause of aberrant splicing (PMID: 17576681, 9536098). Algorithms developed to predict the effect of missense changes on protein structure and function (SIFT, PolyPhen-2, Align-GVGD) all suggest that this variant is likely to be tolerated. This variant has not been reported in the literature in individuals affected with ANKZF1-related conditions. This variant is present in population databases (no rsID available, gnomAD 0.0009%). This sequence change replaces glycine, which is neutral and non-polar, with arginine, which is basic and polar, at codon 402 of the ANKZF1 protein (p.Gly402Arg). This variant also falls at the last nucleotide of exon 9, which is part of the consensus splice site for this exon.

Literature cited by the submitters: PubMed 17576681; PubMed 9536098.

NM_018089.3(ANKZF1):c.1204G>C (p.Gly402Arg)

Gene: ANKZF1 (ankyrin repeat and zinc finger peptidyl tRNA hydrolase 1; plus strand). Cytogenetic location: 2q35.
Variant type: single nucleotide variant.
Coding change: c.1204G>C on transcript NM_018089.3 (MANE Select); coding-DNA position 1204, G replaced by C.
Protein change: p.Gly402Arg; replaces glycine 402 with arginine.
Molecular consequence: missense variant.
Genome position (GRCh38, 1-based): chr2:219,234,288, G>C. VCF-style: chr2-219234288-G-C. GRCh37 (hg19) VCF-style: chr2-220099010-G-C.
Other names: c.1204G>C, p.Gly402Arg (NM_001042410.2); c.574G>C, p.Gly192Arg (NM_001282792.2); short protein forms G192R, G402R.
Identifiers: ClinVar variation 2104644 (VCV002104644.4), dbSNP rs1195617405, ClinGen allele CA350679378.